The following is an entry in ClinVar:

NM_033310.3(KCNK4):c.1177G>C (p.Val393Leu)

Genes: KCNK4 (potassium two pore domain channel subfamily K member 4; plus strand), KCNK4-CATSPERZ (KCNK4-CATSPERZ readthrough (NMD candidate); plus strand). Cytogenetic location: 11q13.1.
Variant type: single nucleotide variant.
Coding change: c.1177G>C on transcript NM_033310.3 (MANE Select); coding-DNA position 1177, G replaced by C.
Protein change: p.Val393Leu; replaces valine 393 with leucine.
Molecular consequence: missense variant. On other transcripts: non-coding transcript variant (3).
Genome position (GRCh38, 1-based): chr11:64,299,721, G>C. VCF-style: chr11-64299721-G-C. GRCh37 (hg19) VCF-style: chr11-64067193-G-C.
Other names: c.1177G>C, p.Val393Leu (NM_001317090.2, NM_033311.1); short protein forms V393L.
Identifiers: ClinVar variation 1969216 (VCV001969216.5), dbSNP rs756418807, ClinGen allele CA6073266.
Genomic context (GRCh38, chr11:64,299,721, plus strand): 5'-CCCCCCAGGAAGCCCGTGCGGCCCCGCGGCCCCGGGCGTCCCCGAGACAAAGGCGTGCCG[G>C]TGTAGGGGCAGGATCCCTGGCCGGGCCTCTCAAGGGCTTCGTTTCTGCTCTCCCCGGCAT-3'
Protein context (NP_201567.1, residues 383-393): PGRPRDKGVP[Val393Leu]

ClinVar aggregate classification (germline): Uncertain significance (1 of 4 stars; one submission).

Allele frequency attached by ClinVar (database versions not stated): TOPMed 0.00002; gnomAD exomes 0.00001; ExAC 0.00004.
gnomAD v4.1: 8 of 1,555,356 alleles (0.00051%); highest among the groups gnomAD compares: Non-Finnish European, 0.00069%; no homozygotes.

Submission:

Labcorp Genetics (formerly Invitae), Labcorp
Classification: Uncertain significance. Last evaluated: 2025-06-09. Review status: criteria provided, single submitter. Criteria: Invitae Variant Classification Sherloc (09022015). Collection method: clinical testing. Allele origin: germline.
Comment: This sequence change replaces valine, which is neutral and non-polar, with leucine, which is neutral and non-polar, at codon 393 of the KCNK4 protein (p.Val393Leu). This variant is present in population databases (rs756418807, gnomAD 0.003%). This variant has not been reported in the literature in individuals affected with KCNK4-related conditions. ClinVar contains an entry for this variant (Variation ID: 1969216). Experimental studies and prediction algorithms are not available or were not evaluated, and the functional significance of this variant is currently unknown. In summary, the available evidence is currently insufficient to determine the role of this variant in disease. Therefore, it has been classified as a Variant of Uncertain Significance.